The following is an entry in ClinVar:

NM_198578.4(LRRK2):c.3961T>C (p.Phe1321Leu)

Gene: LRRK2 (leucine rich repeat kinase 2; plus strand). Cytogenetic location: 12q12.
Variant type: single nucleotide variant.
Coding change: c.3961T>C on transcript NM_198578.4 (MANE Select); coding-DNA position 3961, T replaced by C.
Protein change: p.Phe1321Leu; replaces phenylalanine 1321 with leucine.
Molecular consequence: missense variant.
Genome position (GRCh38, 1-based): chr12:40,308,468, T>C. VCF-style: chr12-40308468-T-C. GRCh37 (hg19) VCF-style: chr12-40702270-T-C.
Other names: short protein forms F1321L.
Identifiers: ClinVar variation 3229635 (VCV003229635.1), dbSNP rs2499811538, ClinGen allele CA384417447.
Genomic context (GRCh38, chr12:40,308,468, plus strand): 5'-TAAATCTCAAGTATACTTTTAAGCAGTTTATTATTTTATTTTTATCTTTCAAATACTAGG[T>C]TTCTTCAACAGCGATTAAAAAAGGCTGTGCCTTATAACCGAATGAAACTTATGATTGTGG-3'
Protein context (NP_940980.4, residues 1311-1331): IGCKAKDIIR[Phe1321Leu]LQQRLKKAVP

ClinVar aggregate classification (germline): Uncertain significance (1 of 4 stars; one submission).

Conditions:
Inborn genetic diseases. Identifiers: MedGen C0950123, MeSH D030342.

Allele frequency attached by ClinVar (database versions not stated): gnomAD exomes below 0.00001.
gnomAD v4.1: 1 of 1,611,852 alleles (0.000062%); highest among the groups gnomAD compares: Non-Finnish European, 0.000085%; no homozygotes.

Submission:

Ambry Genetics
Classification: Uncertain significance for Inborn genetic diseases. Last evaluated: 2023-12-14. Review status: criteria provided, single submitter. Criteria: Ambry Variant Classification Scheme 2023. Collection method: clinical testing. Allele origin: germline.
Comment: The p.F1321L variant (also known as c.3961T>C), located in coding exon 29 of the LRRK2 gene, results from a T to C substitution at nucleotide position 3961. The phenylalanine at codon 1321 is replaced by leucine, an amino acid with highly similar properties. This amino acid position is conserved. In addition, the in silico prediction for this alteration is inconclusive. Since supporting evidence is limited at this time, the clinical significance of this alteration remains unclear.